The following is an entry in ClinVar:

ClinVar aggregate classification (germline): Likely pathogenic (1 of 4 stars; one submission).

Submission:

GeneDx
Classification: Likely pathogenic. Last evaluated: 2026-09-17. Review status: criteria provided, single submitter. Criteria: GeneDx Variant Classification Process June 2021. Collection method: clinical testing. Allele origin: germline.
Comment: Not observed at significant frequency in large population cohorts (gnomAD); In silico analysis supports that this missense variant does not alter protein structure/function; Has not been previously published as pathogenic or benign to our knowledge

NM_012154.5(AGO2):c.1093A>G (p.Ile365Val)

Gene: AGO2 (argonaute RISC catalytic component 2; minus strand). Cytogenetic location: 8q24.3.
Variant type: single nucleotide variant.
Coding change: c.1093A>G on transcript NM_012154.5 (MANE Select); coding-DNA position 1093, A replaced by G.
Protein change: p.Ile365Val; replaces isoleucine 365 with valine.
Molecular consequence: missense variant.
Genome position (GRCh38, 1-based): chr8:140,556,220, T>C on the plus strand (A>G on the coding strand, the complement: AGO2 is on the minus strand). VCF-style: chr8-140556220-T-C. GRCh37 (hg19) VCF-style: chr8-141566319-T-C.
Other names: c.1093A>G, p.Ile365Val (NM_001164623.3); short protein forms I365V.
Identifiers: ClinVar variation 2577829 (VCV002577829.2), dbSNP rs2540726643, ClinGen allele CA372321994.
Genomic context (GRCh38, chr8:140,556,220, plus strand): 5'-CACTCACCAATTTGCTAATCTCTTCTTGCCGATCGGGCGCCGACCTAGCAGTCGCTCTGA[T>C]CATGGTTGAGGTCTGATTGTCCGTTAATTTTTTAATACATCTTTGTCCTGCCACAATGTT-3'
Protein context (NP_036286.2, residues 355-375): KLTDNQTSTM[Ile365Val]RATARSAPDR